The following is an entry in ClinVar:

NM_003907.3(EIF2B5):c.299C>T (p.Ala100Val)

Gene: EIF2B5 (eukaryotic translation initiation factor 2B subunit epsilon; plus strand). Cytogenetic location: 3q27.1.
Variant type: single nucleotide variant.
Coding change: c.299C>T on transcript NM_003907.3 (MANE Select); coding-DNA position 299, C replaced by T.
Protein change: p.Ala100Val; replaces alanine 100 with valine.
Molecular consequence: missense variant.
Genome position (GRCh38, 1-based): chr3:184,136,715, C>T. VCF-style: chr3-184136715-C-T. GRCh37 (hg19) VCF-style: chr3-183854503-C-T.
Other names: p.Ala100Val; short protein forms A100V.
Identifiers: ClinVar variation 344332 (VCV000344332.55), dbSNP rs150531914, ClinGen allele CA2726353.
Genomic context (GRCh38, chr3:184,136,715, plus strand): 5'-TGGAATTCCTGACTGCCACAGGTGTACAGGAAACATTTGTCTTTTGTTGCTGGAAAGCTG[C>T]TCAAATCAAAGAACATTTACTGTAAGGCCCTGCAACTTTTCTTTCCATGTTTCGCCATCT-3'
Protein context (NP_003898.2, residues 90-110): ETFVFCCWKA[Ala100Val]QIKEHLLKSK

ClinVar aggregate classification (germline): Conflicting classifications of pathogenicity. Review status: criteria provided, conflicting classifications (1 of 4 stars). 6 submissions from 6 submitters: Uncertain significance (5); Likely benign (1). Last evaluated 2026-02-04.

Conditions:
Vanishing white matter disease. Also called: CACH syndrome; Childhood ataxia with diffuse central nervous system hypomyelination; Leukoencephalopathy with vanishing white matter; CACH/VWM syndrome; Cree leukoencehalopathy. Identifiers: Orphanet 135, Orphanet 99853, MedGen C1858991, MONDO:0800448.

Allele frequency attached by ClinVar (database versions not stated): gnomAD 0.00048 and 0.00046; TOPMed 0.00049; gnomAD exomes 0.00073 and 0.00045; ESP Exome Variant Server 0.00038; 1000 Genomes Project 0.00040; ExAC 0.00040; 1000 Genomes Project 30x 0.00047.

Submissions (6):

Labcorp Genetics (formerly Invitae), Labcorp
Classification: Likely benign. Last evaluated: 2026-02-04. Review status: criteria provided, single submitter. Criteria: Invitae Variant Classification Sherloc (09022015). Collection method: clinical testing. Allele origin: germline.

Blueprint Genetics
Classification: Uncertain significance. Last evaluated: 2024-11-25. Review status: criteria provided, single submitter. Criteria: ACMG Guidelines, 2015. Collection method: clinical testing. Allele origin: germline.

Mayo Clinic Laboratories, Mayo Clinic
Classification: Uncertain significance. Last evaluated: 2024-11-12. Review status: criteria provided, single submitter. Criteria: ACMG Guidelines, 2015. Collection method: clinical testing. Allele origin: germline. Observed: 1 variant allele.

CeGaT Center for Human Genetics Tuebingen
Classification: Uncertain significance. Last evaluated: 2023-10-01. Review status: criteria provided, single submitter. Criteria: CeGaT Center For Human Genetics Tuebingen Variant Classification Criteria Version 2. Collection method: clinical testing. Allele origin: germline. Affected: yes. Observed: 2 variant alleles.

Greenwood Genetic Center Diagnostic Laboratories, Greenwood Genetic Center
Classification: Uncertain significance. Last evaluated: 2021-01-04. Review status: criteria provided, single submitter. Criteria: ACMG Guidelines, 2015. Collection method: clinical testing. Allele origin: germline. Affected: yes.
Comment: No ACMG evidence could be applied applied

Illumina Laboratory Services, Illumina
Classification: Uncertain significance for Leukoencephalopathy with vanishing white matter 1. Last evaluated: 2018-01-13. Review status: criteria provided, single submitter. Criteria: ICSL Variant Classification Criteria 13 December 2019. Collection method: clinical testing. Allele origin: germline.